The following is an entry in ClinVar:

NM_000238.4(KCNH2):c.757dup (p.Ala253fs)

Gene: KCNH2 (potassium voltage-gated channel subfamily H member 2; minus strand). Cytogenetic location: 7q36.1.
Variant type: Duplication.
Coding change: c.757dup on transcript NM_000238.4 (MANE Select); coding-DNA position 757, one base duplicated (G; older notation c.757dupG).
Protein change: p.Ala253fs; shifts the reading frame from alanine 253.
Molecular consequence: frameshift variant. On other transcripts: non-coding transcript variant (1).
Genome position (GRCh38, 1-based): chr7:150,958,218, C duplicated on the plus strand (G on the coding strand, the reverse complement: KCNH2 is on the minus strand); the first of 3 consecutive C bases (chr7:150,958,218-150,958,220); duplicating any one gives the same sequence. VCF-style (leftmost placement, unchanged base first): chr7-150958217-G-GC. GRCh37 (hg19) VCF-style: chr7-150655305-G-GC.
Other names: c.469dup, p.Ala157fs (NM_001406753.1, NM_001406756.1); c.580dup, p.Ala194fs (NM_001406755.1); c.457dup, p.Ala153fs (NM_001406757.1); c.757dup, p.Ala253fs (NM_172056.3); short protein forms A153fs, A253fs, A194fs, A157fs.
Identifiers: ClinVar variation 2790199 (VCV002790199.3), dbSNP rs2486090402, ClinGen allele CA2739278348.

ClinVar aggregate classification (germline): Pathogenic (1 of 4 stars; one submission).

Conditions:
Long QT syndrome (LQTS). Identifiers: MedGen C0023976, MeSH D008133, MONDO:0002442. Disease mechanism: loss of function. Inheritance: Various modes of inheritance.

Submission:

Labcorp Genetics (formerly Invitae), Labcorp
Classification: Pathogenic for Long QT syndrome. Last evaluated: 2023-11-13. Review status: criteria provided, single submitter. Criteria: Invitae Variant Classification Sherloc (09022015). Collection method: clinical testing. Allele origin: germline.
Comment: This sequence change creates a premature translational stop signal (p.Ala253Glyfs*79) in the KCNH2 gene. It is expected to result in an absent or disrupted protein product. Loss-of-function variants in KCNH2 are known to be pathogenic (PMID: 10973849, 19862833). This variant is not present in population databases (gnomAD no frequency). This variant has not been reported in the literature in individuals affected with KCNH2-related conditions. For these reasons, this variant has been classified as Pathogenic.

Literature cited by the submitters: PubMed 10973849; PubMed 19862833.